The following is an entry in ClinVar:

ClinVar aggregate classification (germline): Conflicting classifications of pathogenicity. Review status: criteria provided, conflicting classifications (1 of 4 stars). 7 submissions from 5 submitters: Uncertain significance (6); Benign (1). Last evaluated 2026-01-25.

Conditions:
Cerebrooculofacioskeletal syndrome 1 (COFS1). Also called: Cerebro-oculo-facio-skeletal syndrome 1. Identifiers: MedGen C0220722, MONDO:0008955, OMIM 214150.
Cockayne syndrome type 2 (CSB). Also called: Cockayne Syndrome, Type II; COCKAYNE SYNDROME B. Identifiers: Orphanet 191, Orphanet 90322, MedGen C0751038, MONDO:0019570, OMIM 133540.
Lung cancer. Also called: Lung cancer, somatic; Malignant tumor of lung. Identifiers: MedGen C0242379, MONDO:0008903, OMIM 211980.
UV-sensitive syndrome 1 (UVSS1). Identifiers: Orphanet 178338, MedGen C3551173, MONDO:0010909, OMIM 600630.
Premature ovarian failure 11 (POF11). Identifiers: MedGen C4310783, MONDO:0014843, OMIM 616946.
DE SANCTIS-CACCHIONE SYNDROME. Identifiers: MedGen C0265201, MONDO:0010217, OMIM 278800.
Age related macular degeneration 5. Identifiers: MedGen C3151063, MONDO:0013409, OMIM 613761.

Allele frequency attached by ClinVar (database versions not stated): ExAC 0.00034; gnomAD exomes 0.00042 and 0.00015; TOPMed 0.00017; gnomAD 0.00020 and 0.00021; ESP Exome Variant Server 0.00031; 1000 Genomes Project 30x 0.00016; 1000 Genomes Project 0.00020.
gnomAD v4.1: 277 of 1,613,866 alleles (0.017%); highest among the groups gnomAD compares: Admixed American, 0.027%; no homozygotes.

Submissions (7):

Labcorp Genetics (formerly Invitae), Labcorp
Classification: Benign. Last evaluated: 2026-01-25. Review status: criteria provided, single submitter. Criteria: Invitae Variant Classification Sherloc (09022015). Collection method: clinical testing. Allele origin: germline.

GeneDx
Classification: Uncertain significance. Last evaluated: 2025-05-02. Review status: criteria provided, single submitter. Criteria: GeneDx Variant Classification Process June 2021. Collection method: clinical testing. Allele origin: germline.
Comment: In silico analysis suggests that this missense variant does not alter protein structure/function; This variant is associated with the following publications: (PMID: 26884178, 9238033, 29641532, 2054785, 10447254, 34045552)

Department of Pathology and Laboratory Medicine, Sinai Health System
Classification: Uncertain significance for Cockayne syndrome type 2; Lung cancer; Cerebrooculofacioskeletal syndrome 1; DE SANCTIS-CACCHIONE SYNDROME; UV-sensitive syndrome 1; Premature ovarian failure 11. Last evaluated: 2022-01-27. Review status: criteria provided, single submitter. Criteria: ACMG Guidelines, 2015. Collection method: research. Allele origin: germline.

Illumina Laboratory Services, Illumina
Classification: Uncertain significance for Cockayne syndrome type 2. Last evaluated: 2018-01-13. Review status: criteria provided, single submitter. Criteria: ICSL Variant Classification Criteria 13 December 2019. Collection method: clinical testing. Allele origin: germline.

Illumina Laboratory Services, Illumina
Classification: Uncertain significance for Age related macular degeneration 5. Last evaluated: 2018-01-13. Review status: criteria provided, single submitter. Criteria: ICSL Variant Classification Criteria 13 December 2019. Collection method: clinical testing. Allele origin: germline.

Illumina Laboratory Services, Illumina
Classification: Uncertain significance for Cerebrooculofacioskeletal syndrome 1. Last evaluated: 2018-01-13. Review status: criteria provided, single submitter. Criteria: ICSL Variant Classification Criteria 13 December 2019. Collection method: clinical testing. Allele origin: germline.

Eurofins Ntd Llc (ga)
Classification: Uncertain significance. Last evaluated: 2015-03-23. Review status: criteria provided, single submitter. Criteria: EGL Classification Definitions 2015. Collection method: clinical testing. Allele origin: germline. Observed: 1 variant allele, 1 heterozygote.

NM_000124.4(ERCC6):c.2048G>A (p.Arg683Gln)

Gene: ERCC6 (ERCC excision repair 6, chromatin remodeling factor; minus strand). Cytogenetic location: 10q11.23.
Variant type: single nucleotide variant.
Coding change: c.2048G>A on transcript NM_000124.4 (MANE Select); coding-DNA position 2048, G replaced by A.
Protein change: p.Arg683Gln; replaces arginine 683 with glutamine.
Molecular consequence: missense variant.
Genome position (GRCh38, 1-based): chr10:49,482,808, C>T on the plus strand (G>A on the coding strand, the complement: ERCC6 is on the minus strand). VCF-style: chr10-49482808-C-T. GRCh37 (hg19) VCF-style: chr10-50690854-C-T.
Other names: c.2048G>A, p.Arg683Gln (NM_001346440.2); c.2048G>A (NM_000124.2); short protein forms R683Q.
Identifiers: ClinVar variation 193557 (VCV000193557.19), dbSNP rs148845653, ClinGen allele CA239092.